The following is an entry in ClinVar:

ClinVar aggregate classification (germline): Pathogenic (1 of 4 stars; one submission).

Submission:

Labcorp Genetics (formerly Invitae), Labcorp
Classification: Pathogenic. Last evaluated: 2022-11-10. Review status: criteria provided, single submitter. Criteria: Invitae Variant Classification Sherloc (09022015). Collection method: clinical testing. Allele origin: germline.
Comment: This sequence change creates a premature translational stop signal (p.Glu557Asnfs*74) in the COL9A1 gene. It is expected to result in an absent or disrupted protein product. Loss-of-function variants in COL9A1 are known to be pathogenic (PMID: 16909383, 21421862). This variant is not present in population databases (gnomAD no frequency). This variant has not been reported in the literature in individuals affected with COL9A1-related conditions. For these reasons, this variant has been classified as Pathogenic.

Literature cited by the submitters: PubMed 16909383; PubMed 21421862.

NM_001851.6(COL9A1):c.1668del (p.Glu557fs)

Gene: COL9A1 (collagen type IX alpha 1 chain; minus strand). Cytogenetic location: 6q13.
Variant type: Deletion.
Coding change: c.1668del on transcript NM_001851.6 (MANE Select); coding-DNA position 1668, one base deleted (T; older notation c.1668delT).
Protein change: p.Glu557fs; shifts the reading frame from glutamic acid 557.
Molecular consequence: frameshift variant. On other transcripts: non-coding transcript variant (1).
Genome position (GRCh38, 1-based): chr6:70,254,527, A deleted on the plus strand (T on the coding strand, the reverse complement: COL9A1 is on the minus strand). VCF-style (leftmost placement, unchanged base first): chr6-70254526-CA-C. GRCh37 (hg19) VCF-style: chr6-70964229-CA-C.
Other names: c.969del, p.Glu324fs (NM_001377289.1); c.939del, p.Glu314fs (NM_001377290.1, NM_078485.4); short protein forms E314fs, E324fs, E557fs.
Identifiers: ClinVar variation 2813561 (VCV002813561.3), dbSNP rs2483312751, ClinGen allele CA2739273215.